The following is an entry in ClinVar:

NM_002691.4(POLD1):c.2278A>C (p.Met760Leu)

Gene: POLD1 (DNA polymerase delta 1, catalytic subunit; plus strand). Cytogenetic location: 19q13.33.
Variant type: single nucleotide variant.
Coding change: c.2278A>C on transcript NM_002691.4 (MANE Select); coding-DNA position 2278, A replaced by C.
Protein change: p.Met760Leu; replaces methionine 760 with leucine.
Molecular consequence: missense variant. On other transcripts: non-coding transcript variant (1).
Genome position (GRCh38, 1-based): chr19:50,413,769, A>C. VCF-style: chr19-50413769-A-C. GRCh37 (hg19) VCF-style: chr19-50917026-A-C.
Other names: c.2278A>C, p.Met760Leu (NM_001256849.1); c.2356A>C, p.Met786Leu (NM_001308632.1); short protein forms M760L, M786L.
Identifiers: ClinVar variation 3935567 (VCV003935567.1).

ClinVar aggregate classification (germline): Uncertain significance (1 of 4 stars; one submission).

Conditions:
Hereditary cancer-predisposing syndrome. Also called: Tumor predisposition; Hereditary neoplastic syndrome; Hereditary Cancer Syndrome; Neoplastic Syndromes, Hereditary. Identifiers: Orphanet 140162, MedGen C0027672, MeSH D009386, MONDO:0015356.

Submission:

Ambry Genetics
Classification: Uncertain significance for Hereditary cancer-predisposing syndrome. Last evaluated: 2025-04-21. Review status: criteria provided, single submitter. Criteria: Ambry Variant Classification Scheme 2023. Collection method: clinical testing. Allele origin: germline.
Comment: The p.M760L variant (also known as c.2278A>C), located in coding exon 18 of the POLD1 gene, results from an A to C substitution at nucleotide position 2278. The methionine at codon 760 is replaced by leucine, an amino acid with highly similar properties. This amino acid position is conserved. In addition, the in silico prediction for this alteration is inconclusive. Based on the available evidence, the clinical significance of this variant remains unclear.